The following is an entry in ClinVar:

NM_006031.6(PCNT):c.2834G>T (p.Arg945Leu)

Gene: PCNT (pericentrin; plus strand). Cytogenetic location: 21q22.3.
Variant type: single nucleotide variant.
Coding change: c.2834G>T on transcript NM_006031.6 (MANE Select); coding-DNA position 2834, G replaced by T.
Protein change: p.Arg945Leu; replaces arginine 945 with leucine.
Molecular consequence: missense variant.
Genome position (GRCh38, 1-based): chr21:46,366,808, G>T. VCF-style: chr21-46366808-G-T. GRCh37 (hg19) VCF-style: chr21-47786723-G-T.
Other names: c.2480G>T, p.Arg827Leu (NM_001315529.2); short protein forms R827L, R945L.
Identifiers: ClinVar variation 2636111 (VCV002636111.7), dbSNP rs183691508, ClinGen allele CA10079103.

ClinVar aggregate classification (germline): Uncertain significance. Review status: criteria provided, multiple submitters, no conflicts (2 of 4 stars). 3 submissions from 3 submitters: Uncertain significance (3). Last evaluated 2026-05-21.

Conditions:
Inborn genetic diseases. Identifiers: MedGen C0950123, MeSH D030342.
PCNT-related disorder. Also called: PCNT-related condition.

Allele frequency attached by ClinVar (database versions not stated): ESP Exome Variant Server 0.00023.
gnomAD v4.1: 62 of 1,613,694 alleles (0.0038%); highest among the groups gnomAD compares: African/African-American, 0.064%; no homozygotes.

Submissions (3):

PreventionGenetics, part of Exact Sciences
Classification: Uncertain significance for PCNT-related condition. Last evaluated: 2026-05-21. Review status: criteria provided, single submitter. Criteria: ACMG Guidelines, 2015. Collection method: clinical testing. Allele origin: germline.
Comment: The PCNT c.2834G>T variant is predicted to result in the amino acid substitution p.Arg945Leu. To our knowledge, this variant has not been reported in the literature. This variant is reported in 0.076% of alleles in individuals of African descent in gnomAD, which may be too frequent to be a primary cause of disease. Although we suspect that this variant may be benign, at this time, the clinical significance of this variant is uncertain due to the absence of conclusive functional and genetic evidence.

GeneDx
Classification: Uncertain significance. Last evaluated: 2026-02-18. Review status: criteria provided, single submitter. Criteria: GeneDx Variant Classification Process June 2021. Collection method: clinical testing. Allele origin: germline.
Comment: In silico analysis supports that this missense variant has a deleterious effect on protein structure/function; Has not been previously published as pathogenic or benign to our knowledge

Ambry Genetics
Classification: Uncertain significance for Inborn genetic diseases. Last evaluated: 2025-12-09. Review status: criteria provided, single submitter. Criteria: Ambry Variant Classification Scheme 2023. Collection method: clinical testing. Allele origin: germline.